The following is an entry in ClinVar:

NM_000368.5(TSC1):c.2015A>C (p.Lys672Thr)

Gene: TSC1 (TSC complex subunit 1; minus strand). Cytogenetic location: 9q34.13.
Variant type: single nucleotide variant.
Coding change: c.2015A>C on transcript NM_000368.5 (MANE Select); coding-DNA position 2015, A replaced by C.
Protein change: p.Lys672Thr; replaces lysine 672 with threonine.
Molecular consequence: missense variant.
Genome position (GRCh38, 1-based): chr9:132,904,437, T>G on the plus strand (A>C on the coding strand, the complement: TSC1 is on the minus strand). VCF-style: chr9-132904437-T-G. GRCh37 (hg19) VCF-style: chr9-135779824-T-G.
Other names: c.2012A>C, p.Lys671Thr (NM_001162426.2, NM_001406597.1, NM_001406598.1 and 6 more transcripts); c.1862A>C, p.Lys621Thr (NM_001162427.2, NM_001406610.1); c.1652A>C, p.Lys551Thr (NM_001362177.2, NM_001406614.1, NM_001406615.1 and 5 more transcripts); c.2015A>C, p.Lys672Thr (NM_001406592.1, NM_001406593.1, NM_001406594.1 and 7 more transcripts); c.1859A>C, p.Lys620Thr (NM_001406611.1, NM_001406612.1, NM_001406613.1); c.1649A>C, p.Lys550Thr (NM_001406620.1, NM_001406621.1, NM_001406622.1 and 2 more transcripts); c.1064A>C, p.Lys355Thr (NM_001406626.1); c.1061A>C, p.Lys354Thr (NM_001406627.1, NM_001406628.1); and 1 more; short protein forms K354T, K620T, K621T, K551T, K550T, K672T, K321T, K355T.
Identifiers: ClinVar variation 1784457 (VCV001784457.2), dbSNP rs1845545752, ClinGen allele CA375361395.

ClinVar aggregate classification (germline): Uncertain significance (1 of 4 stars; one submission).

Conditions:
Hereditary cancer-predisposing syndrome. Also called: Neoplastic Syndromes, Hereditary; Tumor predisposition; Hereditary Cancer Syndrome; Hereditary neoplastic syndrome. Identifiers: Orphanet 140162, MedGen C0027672, MeSH D009386, MONDO:0015356.

Submission:

Ambry Genetics
Classification: Uncertain significance for Hereditary cancer-predisposing syndrome. Last evaluated: 2020-11-17. Review status: criteria provided, single submitter. Criteria: Ambry Variant Classification Scheme 2023. Collection method: clinical testing. Allele origin: germline.
Comment: The p.K672T variant (also known as c.2015A>C), located in coding exon 14 of the TSC1 gene, results from an A to C substitution at nucleotide position 2015. The lysine at codon 672 is replaced by threonine, an amino acid with similar properties. This amino acid position is well conserved in available vertebrate species. In addition, the in silico prediction for this alteration is inconclusive. Since supporting evidence is limited at this time, the clinical significance of this alteration remains unclear.